The following is an entry in ClinVar:

NM_014780.5(CUL7):c.4341G>T (p.Gln1447His)

Gene: CUL7 (cullin 7; minus strand). Cytogenetic location: 6p21.1.
Variant type: single nucleotide variant.
Coding change: c.4341G>T on transcript NM_014780.5 (MANE Select); coding-DNA position 4341, G replaced by T.
Protein change: p.Gln1447His; replaces glutamine 1447 with histidine.
Molecular consequence: missense variant.
Genome position (GRCh38, 1-based): chr6:43,038,941, C>A on the plus strand (G>T on the coding strand, the complement: CUL7 is on the minus strand). VCF-style: chr6-43038941-C-A. GRCh37 (hg19) VCF-style: chr6-43006679-C-A.
Other names: c.4437G>T, p.Gln1479His (NM_001168370.2, NM_001374872.1); c.4341G>T, p.Gln1447His (NM_001374873.1); c.4338G>T, p.Gln1446His (NM_001374874.1); short protein forms Q1446H, Q1447H, Q1479H.
Identifiers: ClinVar variation 4762543 (VCV004762543.1).

ClinVar aggregate classification (germline): Uncertain significance (1 of 4 stars; one submission).

gnomAD v4.1: 4 of 1,613,308 alleles (0.00025%); highest among the groups gnomAD compares: African/African-American, 0.004%; no homozygotes.

Submission:

Labcorp Genetics (formerly Invitae), Labcorp
Classification: Uncertain significance. Last evaluated: 2025-10-17. Review status: criteria provided, single submitter. Criteria: Invitae Variant Classification Sherloc (09022015). Collection method: clinical testing. Allele origin: germline.
Comment: This sequence change replaces glutamine, which is neutral and polar, with histidine, which is basic and polar, at codon 1447 of the CUL7 protein (p.Gln1447His). This variant is present in population databases (no rsID available, gnomAD 0.01%). This variant has not been reported in the literature in individuals affected with CUL7-related conditions. Invitae Evidence Modeling of protein sequence and biophysical properties (such as structural, functional, and spatial information, amino acid conservation, physicochemical variation, residue mobility, and thermodynamic stability) indicates that this missense variant is not expected to disrupt CUL7 protein function with a negative predictive value of 80%. In summary, the available evidence is currently insufficient to determine the role of this variant in disease. Therefore, it has been classified as a Variant of Uncertain Significance.